The following is an entry in ClinVar:

ClinVar aggregate classification (germline): Pathogenic (1 of 4 stars; one submission).

Submission:

GeneDx
Classification: Pathogenic. Last evaluated: 2025-05-20. Review status: criteria provided, single submitter. Criteria: GeneDx Variant Classification Process June 2021. Collection method: clinical testing. Allele origin: germline. Affected: yes.
Comment: Frameshift variant predicted to result in protein truncation or nonsense mediated decay in a gene for which loss of function is a known mechanism of disease; Not observed at significant frequency in large population cohorts (gnomAD); Has not been previously published as pathogenic or benign to our knowledge

NM_032237.5(POMK):c.917dup (p.Leu306fs)

Gene: POMK (protein O-mannose kinase; plus strand). Cytogenetic location: 8p11.21.
Variant type: Duplication.
Coding change: c.917dup on transcript NM_032237.5 (MANE Select); coding-DNA position 917, one base duplicated (T; older notation c.917dupT).
Protein change: p.Leu306fs; shifts the reading frame from leucine 306.
Molecular consequence: frameshift variant.
Genome position (GRCh38, 1-based): chr8:43,122,741, T duplicated; the last of 3 consecutive T bases (chr8:43,122,739-43,122,741); duplicating any one gives the same sequence. VCF-style (leftmost placement, unchanged base first): chr8-43122738-A-AT. GRCh37 (hg19) VCF-style: chr8-42977881-A-AT.
Other names: c.917dupT (NM_032237.4); c.917dup, p.Leu306fs (NM_001277971.2); short protein forms L306fs.
Identifiers: ClinVar variation 280444 (VCV000280444.4), dbSNP rs886041651, ClinGen allele CA10603099.